The following is an entry in ClinVar:

NM_000088.4(COL1A1):c.77G>A (p.Gly26Asp)

Gene: COL1A1 (collagen type I alpha 1 chain; minus strand). Cytogenetic location: 17q21.33.
Variant type: single nucleotide variant.
Coding change: c.77G>A on transcript NM_000088.4 (MANE Select); coding-DNA position 77, G replaced by A.
Protein change: p.Gly26Asp; replaces glycine 26 with aspartic acid.
Molecular consequence: missense variant.
Genome position (GRCh38, 1-based): chr17:50,201,437, C>T on the plus strand (G>A on the coding strand, the complement: COL1A1 is on the minus strand). VCF-style: chr17-50201437-C-T. GRCh37 (hg19) VCF-style: chr17-48278798-C-T.
Other names: p.Gly26Asp; short protein forms G26D.
Identifiers: ClinVar variation 635464 (VCV000635464.64), dbSNP rs151171179, ClinGen allele CA8645881.

ClinVar aggregate classification (germline): Conflicting classifications of pathogenicity. Review status: criteria provided, conflicting classifications (1 of 4 stars). 13 submissions from 11 submitters: Uncertain significance (4); Likely benign (8). 1 of the submissions does not count toward it. Last evaluated 2026-02-04.

Conditions:
Ehlers-Danlos syndrome, arthrochalasia type. Also called: Ehlers-Danlos syndrome, arthrochalasia type, 1; Ehlers-Danlos syndrome, arthrochalasis type; ARTHROCHALASIS MULTIPLEX CONGENITA; EDS VII, MUTANT PROCOLLAGEN TYPE; EDS VIIA. Identifiers: Orphanet 1899, Orphanet 99875, Orphanet 99876, MedGen C4551623, MONDO:0007525, OMIM 130060.
Infantile cortical hyperostosis. Also called: Caffey Disease; P1PK BLOOD GROUP SYSTEM, P(2) PHENOTYPE; Hyperostosis, Cortical, Congenital. Identifiers: Orphanet 1310, MedGen C0020497, MONDO:0007244, OMIM 114000.
COL1A1-related disorder. Also called: COL1A1-related condition; COL1A1- related disease.
Cardiovascular phenotype. Identifiers: MedGen CN230736.
Ehlers-Danlos syndrome (EDS). Identifiers: Orphanet 98249, MedGen C0013720, MONDO:0020066.
Osteogenesis imperfecta type I (OI1). Also called: Lobstein's Disease; Lobstein disease; OI, TYPE I; OSTEOGENESIS IMPERFECTA TARDA; OSTEOGENESIS IMPERFECTA WITH BLUE SCLERAE; Osteogenesis imperfecta type 1. Identifiers: Orphanet 216796, Orphanet 666, MedGen C0023931, MONDO:0008146, OMIM 166200. Disease mechanism: loss of function.
Osteogenesis imperfecta (OI). Identifiers: Orphanet 666, MedGen C0029434, MeSH D010013, MONDO:0019019.

Allele frequency attached by ClinVar (database versions not stated): ESP Exome Variant Server 0.00008; gnomAD 0.00011; TOPMed 0.00014; gnomAD exomes 0.00017 and 0.00025; ExAC 0.00033.
gnomAD v4.1: 279 of 1,613,664 alleles (0.017%); highest among the groups gnomAD compares: Middle Eastern, 0.34%; no homozygotes.

Submissions (13):

PreventionGenetics, part of Exact Sciences
Classification: Likely benign for COL1A1-related condition. Last evaluated: 2026-02-04. Review status: criteria provided, single submitter. Criteria: ACMG Guidelines, 2015. Collection method: clinical testing. Allele origin: germline.
Comment: This variant is classified as likely benign based on ACMG/AMP sequence variant interpretation guidelines (Richards et al. 2015 PMID: 25741868, with internal and published modifications).

Labcorp Genetics (formerly Invitae), Labcorp
Classification: Likely benign for Osteogenesis imperfecta type I. Last evaluated: 2026-01-24. Review status: criteria provided, single submitter. Criteria: Invitae Variant Classification Sherloc (09022015). Collection method: clinical testing. Allele origin: germline.

Women's Health and Genetics/Laboratory Corporation of America, LabCorp
Classification: Likely benign. Last evaluated: 2025-06-05. Review status: criteria provided, single submitter. Criteria: LabCorp Variant Classification Summary - May 2015. Collection method: clinical testing. Allele origin: germline.
Comment: Variant summary: COL1A1 c.77G>A (p.Gly26Asp) results in a non-conservative amino acid change in the encoded protein sequence. Algorithms developed to predict the effect of missense changes on protein structure and function are either unavailable or do not agree on the potential impact of this missense change. The variant allele was found at a frequency of 0.00025 in 250798 control chromosomes. The observed variant frequency is approximately 8-fold of the estimated maximal expected allele frequency for a pathogenic variant in COL1A1 causing Osteogenesis imperfecta type I phenotype (3e-05). c.77G>A has been observed in individual(s) affected with Osteogenesis imperfecta type I (e.g. Fuccio_2011, Aglan_2015, Demir_2021, Erbas_2022) and in at least one individual with thoracic aortic aneurysm/aortic dissection (Weerakkody_2018); however, in at least three of these cases there were other variants that were pathogenic and/or were more likely to be the cause of the disease phenotype (e.g. Fuccio_2011, Demir_2021, Weerakkody_2018). Therefore, these reports do not provide unequivocal conclusions about association of the variant with Osteogenesis imperfecta type I. To our knowledge, no experimental evidence demonstrating an impact on protein function has been reported. The following publications have been ascertained in the context of this evaluation (PMID: 33470886, 34107839, 21884818, 29543232). ClinVar contains an entry for this variant (Variation ID: 635464). Based on the evidence outlined above, the variant was classified as likely benign.

CeGaT Center for Human Genetics Tuebingen
Classification: Likely benign. Last evaluated: 2025-04-01. Review status: criteria provided, single submitter. Criteria: CeGaT Center For Human Genetics Tuebingen Variant Classification Criteria Version 2. Collection method: clinical testing. Allele origin: germline. Affected: yes. Observed: 4 variant alleles.
Comment: COL1A1: PS4:Moderate, PP2, BP4, BP5, BS2

Mayo Clinic Laboratories, Mayo Clinic
Classification: Likely benign. Last evaluated: 2024-12-07. Review status: criteria provided, single submitter. Criteria: ACMG Guidelines, 2015. Collection method: clinical testing. Allele origin: germline. Observed: 2 variant alleles.
Comment: BS1, PP2

Blueprint Genetics
Classification: Likely benign. Last evaluated: 2024-10-23. Review status: criteria provided, single submitter. Criteria: ACMG Guidelines, 2015. Collection method: clinical testing. Allele origin: germline.

Ambry Genetics
Classification: Likely benign for Cardiovascular phenotype. Last evaluated: 2024-03-05. Review status: criteria provided, single submitter. Criteria: Ambry Variant Classification Scheme 2023. Collection method: clinical testing. Allele origin: germline.

Genome Diagnostics Laboratory, The Hospital for Sick Children
Classification: Uncertain significance for Ehlers-Danlos syndrome. Last evaluated: 2022-05-29. Review status: criteria provided, single submitter. Criteria: ACMG Guidelines, 2015. Collection method: clinical testing. Allele origin: germline.

GeneDx
Classification: Likely benign. Last evaluated: 2020-11-13. Review status: criteria provided, single submitter. Criteria: GeneDx Variant Classification Process June 2021. Collection method: clinical testing. Allele origin: germline. Affected: yes.
Comment: Reported in an unrelated proband diagnosed with Osteogenesis Imperfecta, who harbored a second COL1A1 variant, phase unknown (Fuccio et al., 2011); however, no clinical details or segregation data were provided; In silico analysis, which includes protein predictors and evolutionary conservation, supports that this variant does not alter protein structure/function; Does not affect a Glycine residue in a Gly-X-Y motif in the triple helical region of the COL1A1 gene, where the majority of pathogenic missense variants occur (Stenson et al., 2014; Symoens et al., 2012).; This variant is associated with the following publications: (PMID: 21884818)

Illumina Laboratory Services, Illumina
Classification: Uncertain significance for Osteogenesis imperfecta. Last evaluated: 2017-04-27. Review status: criteria provided, single submitter. Criteria: ICSL Variant Classification Criteria 13 December 2019. Collection method: clinical testing. Allele origin: germline.
Comment: This variant was observed as part of a predisposition screen in an ostensibly healthy population. A literature search was performed for the gene, cDNA change, and amino acid change (where applicable). Publications were found based on this search. However, the evidence from the literature, in combination with allele frequency data from public databases where available, was not sufficient to rule this variant in or out of causing disease. Therefore, this variant is classified as a variant of unknown significance.

Illumina Laboratory Services, Illumina
Classification: Uncertain significance for Ehlers-Danlos syndrome, arthrochalasia type. Last evaluated: 2017-04-27. Review status: criteria provided, single submitter. Criteria: ICSL Variant Classification Criteria 13 December 2019. Collection method: clinical testing. Allele origin: germline.

Illumina Laboratory Services, Illumina
Classification: Uncertain significance for Infantile cortical hyperostosis. Last evaluated: 2017-04-27. Review status: criteria provided, single submitter. Criteria: ICSL Variant Classification Criteria 13 December 2019. Collection method: clinical testing. Allele origin: germline.

Bioscientia Institut fuer Medizinische Diagnostik GmbH, Sonic Healthcare
Classification: Uncertain significance for Osteogenesis imperfecta type I. Last evaluated: 2018-12-12. Review status: no assertion criteria provided. Collection method: clinical testing. Allele origin: germline. Affected: yes. Not counted in ClinVar's aggregate classification.

Literature cited by the submitters: PubMed 29543232 (cited by Women's Health and Genetics/Laboratory Corporation of America, LabCorp); PubMed 33470886 (cited by Women's Health and Genetics/Laboratory Corporation of America, LabCorp and Mayo Clinic Laboratories, Mayo Clinic); PubMed 34107839 (cited by Women's Health and Genetics/Laboratory Corporation of America, LabCorp and Mayo Clinic Laboratories, Mayo Clinic); PubMed 21884818 (cited by 3 submitters).